The following is an entry in ClinVar:

ClinVar aggregate classification (germline): Uncertain significance (1 of 4 stars; one submission).

gnomAD v4.1: 1 of 1,608,604 alleles (0.000062%); highest among the groups gnomAD compares: Non-Finnish European, 0.000085%; no homozygotes.

Submission:

Labcorp Genetics (formerly Invitae), Labcorp
Classification: Uncertain significance. Last evaluated: 2024-09-22. Review status: criteria provided, single submitter. Criteria: Invitae Variant Classification Sherloc (09022015). Collection method: clinical testing. Allele origin: germline.
Comment: This sequence change replaces alanine, which is neutral and non-polar, with serine, which is neutral and polar, at codon 243 of the NAA15 protein (p.Ala243Ser). This variant is present in population databases (rs754365558, gnomAD 0.0009%). This variant has not been reported in the literature in individuals affected with NAA15-related conditions. An algorithm developed to predict the effect of missense changes on protein structure and function (PolyPhen-2) suggests that this variant is likely to be tolerated. In summary, the available evidence is currently insufficient to determine the role of this variant in disease. Therefore, it has been classified as a Variant of Uncertain Significance.

NM_057175.5(NAA15):c.727G>T (p.Ala243Ser)

Gene: NAA15 (N-alpha-acetyltransferase 15, NatA auxiliary subunit; plus strand). Cytogenetic location: 4q31.1.
Variant type: single nucleotide variant.
Coding change: c.727G>T on transcript NM_057175.5 (MANE Select); coding-DNA position 727, G replaced by T.
Protein change: p.Ala243Ser; replaces alanine 243 with serine.
Molecular consequence: missense variant.
Genome position (GRCh38, 1-based): chr4:139,349,497, G>T. VCF-style: chr4-139349497-G-T. GRCh37 (hg19) VCF-style: chr4-140270651-G-T.
Other names: c.727G>T, p.Ala243Ser (NM_001410842.1); short protein forms A243S.
Identifiers: ClinVar variation 3721237 (VCV003721237.2).